The following is an entry in ClinVar:

ClinVar aggregate classification (germline): Uncertain significance (1 of 4 stars; one submission).

Conditions:
Developmental and epileptic encephalopathy, 25 (DEE25). Also called: Developmental and epileptic encephalopathy 25, with amelogenesis imperfecta; Epileptic encephalopathy, early infantile, 25, with amelogenesis imperfecta; Epileptic encephalopathy, early infantile, 25. Identifiers: Orphanet 442835, MedGen C4014621, MONDO:0014392, OMIM 615905.

Submission:

Labcorp Genetics (formerly Invitae), Labcorp
Classification: Uncertain significance for Developmental and epileptic encephalopathy, 25. Last evaluated: 2020-06-13. Review status: criteria provided, single submitter. Criteria: Invitae Variant Classification Sherloc (09022015). Collection method: clinical testing. Allele origin: germline.
Comment: This variant has not been reported in the literature in individuals with SLC13A5-related conditions. In summary, the available evidence is currently insufficient to determine the role of this variant in disease. Therefore, it has been classified as a Variant of Uncertain Significance. Algorithms developed to predict the effect of missense changes on protein structure and function output the following: SIFT: "Tolerated"; PolyPhen-2: "Benign"; Align-GVGD: "Class C0". The glutamic acid amino acid residue is found in multiple mammalian species, suggesting that this missense change does not adversely affect protein function. These predictions have not been confirmed by published functional studies and their clinical significance is uncertain. This variant is not present in population databases (ExAC no frequency). This sequence change replaces aspartic acid with glutamic acid at codon 174 of the SLC13A5 protein (p.Asp174Glu). The aspartic acid residue is weakly conserved and there is a small physicochemical difference between aspartic acid and glutamic acid.

NM_177550.5(SLC13A5):c.522C>G (p.Asp174Glu)

Gene: SLC13A5 (solute carrier family 13 member 5; minus strand). Cytogenetic location: 17p13.1.
Variant type: single nucleotide variant.
Coding change: c.522C>G on transcript NM_177550.5 (MANE Select); coding-DNA position 522, C replaced by G.
Protein change: p.Asp174Glu; replaces aspartic acid 174 with glutamic acid.
Molecular consequence: missense variant.
Genome position (GRCh38, 1-based): chr17:6,703,903, G>C on the plus strand (C>G on the coding strand, the complement: SLC13A5 is on the minus strand). VCF-style: chr17-6703903-G-C. GRCh37 (hg19) VCF-style: chr17-6607222-G-C.
Other names: c.522C>G, p.Asp174Glu (NM_001143838.3); c.471C>G, p.Asp157Glu (NM_001284509.2); c.393C>G, p.Asp131Glu (NM_001284510.2); short protein forms D131E, D157E, D174E.
Identifiers: ClinVar variation 1008608 (VCV001008608.9), dbSNP rs1160099071, ClinGen allele CA397749953.